The following is an entry in ClinVar:

ClinVar aggregate classification (germline): Likely pathogenic (1 of 4 stars; one submission).

gnomAD v4.1: 9 of 1,610,824 alleles (0.00056%); highest among the groups gnomAD compares: Non-Finnish European, 0.00068%; no homozygotes.

Submission:

GeneDx
Classification: Likely pathogenic. Last evaluated: 2025-02-27. Review status: criteria provided, single submitter. Criteria: GeneDx Variant Classification Process June 2021. Collection method: clinical testing. Allele origin: germline. Affected: yes.
Comment: Segregates with autosomal dominant thrombocytopenia in affected individuals from families in published literature (PMID: 33472357, 36519321); RNA studies demonstrate that c.648+5G>A leads to the loss of an in-frame exon, resulting in removal of small portion of the protein (PMID: 33472357); Published in vitro functional studies demonstrate that the variant disrupts GFI1B transcriptional control, leading to impaired megakaryocyte maturation and aberrant platelet production, a hallmark of GFI1B-related thrombocytopenia (PMID: 33472357); In silico analysis indicates that this variant does not alter splicing; This variant is associated with the following publications: (PMID: 33472357, 36519321)

NM_001377304.1(GFI1B):c.648+5G>A

Gene: GFI1B (growth factor independent 1B transcriptional repressor; plus strand). Cytogenetic location: 9q34.13.
Variant type: single nucleotide variant.
Coding change: c.648+5G>A on transcript NM_001377304.1 (MANE Select); 5 bases into the intron after coding-DNA position 648, G replaced by A.
Molecular consequence: intron variant.
Genome position (GRCh38, 1-based): chr9:132,989,203, G>A. VCF-style: chr9-132989203-G-A. GRCh37 (hg19) VCF-style: chr9-135864590-G-A.
Other names: c.648+5G>A (NM_004188.8, NM_001371908.1); c.511-539G>A (NM_001135031.2, NM_001377305.1).
Identifiers: ClinVar variation 4077191 (VCV004077191.1).